The following is an entry in ClinVar:

ClinVar aggregate classification (germline): Uncertain significance. Review status: criteria provided, multiple submitters, no conflicts (2 of 4 stars). 2 submissions from 2 submitters: Uncertain significance (2). Last evaluated 2025-12-16.

Conditions:
Neuronal ceroid lipofuscinosis 7 (CLN7). Also called: MFSD8-Related Neuronal Ceroid-Lipofuscinosis. Identifiers: Orphanet 168491, Orphanet 228366, MedGen C1838571, MONDO:0012588, OMIM 610951.
Inborn genetic diseases. Identifiers: MedGen C0950123, MeSH D030342.

Allele frequency attached by ClinVar (database versions not stated): ExAC 0.00001.

Submissions (2):

Ambry Genetics
Classification: Uncertain significance for Inborn genetic diseases. Last evaluated: 2025-12-16. Review status: criteria provided, single submitter. Criteria: Ambry Variant Classification Scheme 2023. Collection method: clinical testing. Allele origin: germline.

Labcorp Genetics (formerly Invitae), Labcorp
Classification: Uncertain significance for Neuronal ceroid lipofuscinosis 7. Last evaluated: 2022-08-01. Review status: criteria provided, single submitter. Criteria: Invitae Variant Classification Sherloc (09022015). Collection method: clinical testing. Allele origin: germline.
Comment: This sequence change replaces threonine, which is neutral and polar, with isoleucine, which is neutral and non-polar, at codon 188 of the MFSD8 protein (p.Thr188Ile). This variant is present in population databases (rs766111411, gnomAD 0.006%). This variant has not been reported in the literature in individuals affected with MFSD8-related conditions. Algorithms developed to predict the effect of missense changes on protein structure and function are either unavailable or do not agree on the potential impact of this missense change (SIFT: "Tolerated"; PolyPhen-2: "Possibly Damaging"; Align-GVGD: "Class C0"). In summary, the available evidence is currently insufficient to determine the role of this variant in disease. Therefore, it has been classified as a Variant of Uncertain Significance.

NM_001371596.2(MFSD8):c.563C>T (p.Thr188Ile)

Gene: MFSD8 (major facilitator superfamily domain containing 8; minus strand). Cytogenetic location: 4q28.2.
Variant type: single nucleotide variant.
Coding change: c.563C>T on transcript NM_001371596.2 (MANE Select); coding-DNA position 563, C replaced by T.
Protein change: p.Thr188Ile; replaces threonine 188 with isoleucine.
Molecular consequence: missense variant. On other transcripts: intron variant (5).
Genome position (GRCh38, 1-based): chr4:127,939,988, G>A on the plus strand (C>T on the coding strand, the complement: MFSD8 is on the minus strand). VCF-style: chr4-127939988-G-A. GRCh37 (hg19) VCF-style: chr4-128861143-G-A.
Other names: c.428C>T, p.Thr143Ile (NM_001371590.2); c.563C>T, p.Thr188Ile (NM_001371591.2, NM_152778.4); c.569C>T, p.Thr190Ile (NM_001371592.2); c.449C>T, p.Thr150Ile (NM_001371593.2, NM_001410766.1); c.419-1152C>T (NM_001371595.1); c.304+3764C>T (NM_001410765.1); c.439+3764C>T (NM_001363521.3); c.553+2057C>T (NM_001363520.3); and 2 more; short protein forms T150I, T188I, T190I, T143I.
Identifiers: ClinVar variation 2083550 (VCV002083550.2), dbSNP rs766111411, ClinGen allele CA3077431.
Genomic context (GRCh38, chr4:127,939,988, plus strand): 5'-TTTATCTGCAGTTTAATCACATCCCATGTCACACCTTTTTCTCCAAGGAATGTAAAACAA[G>A]TCTGAAAAACTTATTAAGATAAAATTTTCACAGATGAATTATTATATGAGAAGCATAGGA-3'
Protein context (NP_001358525.1, residues 178-198): LGFILGPVFQ[Thr188Ile]CFTFLGEKGV